The following is an entry in ClinVar:

ClinVar aggregate classification (germline): Uncertain significance. Review status: criteria provided, single submitter (1 of 4 stars). 2 submissions from 2 submitters: Uncertain significance (1). 1 of the submissions does not count toward it. Last evaluated 2025-04-19.

Conditions:
AFF4-related disorder. Also called: AFF4-related condition.
Cognitive impairment - coarse facies - heart defects - obesity - pulmonary involvement - short stature - skeletal dysplasia syndrome. Also called: COGNITIVE IMPAIRMENT, COARSE FACIES, HEART DEFECTS, OBESITY, PULMONARY INVOLVEMENT, SHORT STATURE, AND SKELETAL DYSPLASIA; Chops syndrome; AFF4-Related CHOPS Syndrome. Identifiers: Orphanet 444077, MedGen C4085597, MONDO:0014609, OMIM 616368.

Allele frequency attached by ClinVar (database versions not stated): ExAC 0.00004; ESP Exome Variant Server 0.00008; gnomAD 0.00008; TOPMed 0.00009.
gnomAD v4.1: 34 of 1,614,012 alleles (0.0021%); highest among the groups gnomAD compares: African/African-American, 0.02%; 1 homozygote.

Submissions (2):

Labcorp Genetics (formerly Invitae), Labcorp
Classification: Uncertain significance for Cognitive impairment - coarse facies - heart defects - obesity - pulmonary involvement - short stature - skeletal dysplasia syndrome. Last evaluated: 2025-04-19. Review status: criteria provided, single submitter. Criteria: Invitae Variant Classification Sherloc (09022015). Collection method: clinical testing. Allele origin: germline.
Comment: This sequence change replaces proline, which is neutral and non-polar, with histidine, which is basic and polar, at codon 227 of the AFF4 protein (p.Pro227His). This variant is present in population databases (rs368373216, gnomAD 0.03%). This variant has not been reported in the literature in individuals affected with AFF4-related conditions. ClinVar contains an entry for this variant (Variation ID: 2084088). Invitae Evidence Modeling of protein sequence and biophysical properties (such as structural, functional, and spatial information, amino acid conservation, physicochemical variation, residue mobility, and thermodynamic stability) indicates that this missense variant is not expected to disrupt AFF4 protein function with a negative predictive value of 80%. In summary, the available evidence is currently insufficient to determine the role of this variant in disease. Therefore, it has been classified as a Variant of Uncertain Significance.

PreventionGenetics, part of Exact Sciences
Classification: Uncertain significance for AFF4-related condition. Last evaluated: 2023-11-27. Review status: no assertion criteria provided. Collection method: clinical testing. Allele origin: germline. Not counted in ClinVar's aggregate classification.
Comment: The AFF4 c.680C>A variant is predicted to result in the amino acid substitution p.Pro227His. To our knowledge, this variant has not been reported in the literature. This variant is reported in 0.028% of alleles in individuals of African descent in gnomAD. Although we suspect that this variant may be benign, at this time, the clinical significance of this variant is uncertain due to the absence of conclusive functional and genetic evidence.

NM_014423.4(AFF4):c.680C>A (p.Pro227His)

Gene: AFF4 (ALF transcription elongation factor 4; minus strand). Cytogenetic location: 5q31.1.
Variant type: single nucleotide variant.
Coding change: c.680C>A on transcript NM_014423.4 (MANE Select); coding-DNA position 680, C replaced by A.
Protein change: p.Pro227His; replaces proline 227 with histidine.
Molecular consequence: missense variant.
Genome position (GRCh38, 1-based): chr5:132,934,385, G>T on the plus strand (C>A on the coding strand, the complement: AFF4 is on the minus strand). VCF-style: chr5-132934385-G-T. GRCh37 (hg19) VCF-style: chr5-132270077-G-T.
Other names: c.680C>A (NM_014423.3); short protein forms P227H.
Identifiers: ClinVar variation 2084088 (VCV002084088.5), dbSNP rs368373216, ClinGen allele CA3409388.